The following is an entry in ClinVar:

ClinVar aggregate classification (germline): Benign. Review status: reviewed by expert panel (3 of 4 stars). 10 submissions from 10 submitters: Benign (1). 9 of the submissions do not count toward it. Last evaluated 2026-01-06.

Conditions:
DICER1-related disorder. Also called: DICER1-related condition.
Diffuse midline glioma, H3 K27-altered. Identifiers: MedGen C5669877, MONDO:1060171.
Euthyroid goiter (MNG1). Also called: Goiter, multinodular 1, with or without Sertoli-Leydig cell tumors; SIMPLE GOITER; GOITER, NONTOXIC, WITH INTRATHYROIDAL CALCIFICATION; MULTINODULAR GOITER, ADOLESCENT. Identifiers: Orphanet 276399, MedGen C0302859, MONDO:0007681, OMIM 138800, HP:0009798.
Rhabdomyosarcoma, embryonal, 2 (RMSE2). Identifiers: MedGen C1867234, MONDO:0859046, OMIM 180295.
DICER1-related tumor predisposition. Also called: DICER1 syndrome; DICER1-related pleuropulmonary blastoma cancer predisposition syndrome. Identifiers: Orphanet 284343, MedGen C3839822, MONDO:0100216.
Global developmental delay - lung cysts - overgrowth - Wilms tumor syndrome. Also called: GLOBAL DEVELOPMENTAL DELAY, LUNG CYSTS, OVERGROWTH, AND WILMS TUMOR; GLOW Syndrome. Identifiers: Orphanet 404476, MedGen C4748924, MONDO:0018445, OMIM 618272.
Hereditary cancer-predisposing syndrome. Also called: Neoplastic Syndromes, Hereditary; Tumor predisposition; Hereditary Cancer Syndrome; Hereditary neoplastic syndrome. Identifiers: Orphanet 140162, MedGen C0027672, MeSH D009386, MONDO:0015356.

Allele frequency attached by ClinVar (database versions not stated): gnomAD exomes 0.00003 and 0.00004; ExAC 0.00005; gnomAD 0.00019 and 0.00021; TOPMed 0.00020.
gnomAD v4.1: 69 of 1,614,132 alleles (0.0043%); highest among the groups gnomAD compares: African/African-American, 0.051%; 1 homozygote.

Submissions (10):

ClinGen DICER1 and miRNA-Processing Gene Variant Curation Expert Panel, ClinGen
Classification: Benign for DICER1-related tumor predisposition. Last evaluated: 2026-01-06. Review status: reviewed by expert panel. Criteria: ClinGen DICER1 ACMG Specifications DICER1 V1.4.0. Collection method: curation. Allele origin: germline. Inheritance: Autosomal dominant inheritance.
Comment: The NM_177438.3:c.4923T>G variant in DICER1 is a missense variant predicted to cause substitution of cysteine by tryptophan at amino acid 1641 (p.Cys1641Trp). At least one patient with this variant was found to have a somatic second hit in a recognized DICER1 hotspot codon on tumor sequencing, which is highly specific for DICER1-related tumor predisposition (PP4, Internal lab contributors). This variant has been seen in 40 or more unrelated females without tumors through age 50 in at least one testing laboratory (BS2; Internal lab contributors). The highest population minor allele frequency in gnomAD v4.1.0 is 0.0005070 (38/74950 alleles) in the African/African American population, which is higher than the ClinGen DICER1 VCEP threshold (>0.0003) for BS1, and therefore meets this criterion (BS1). In silico tools predict no damaging impact of the variant on protein function (REVEL: 0.217; MaxEntScan and SpliceAI: no effect on splicing) (BP4). In summary, this variant meets the criteria to be classified as Benign for DICER1-related tumor predisposition. Although there are both pathogenic and benign types of evidence for this variant, the pathogenic/benign evidence is not considered inconsistent with the final classification. ACMG/AMP criteria applied, as specified by the ClinGen DICER1 VCEP: PP4, BS2, BS1, BP4. (Bayesian Points: -8; VCEP specifications version 1.4.0; 01/06/2026)

PreventionGenetics, part of Exact Sciences
Classification: Uncertain significance for DICER1-related condition. Last evaluated: 2026-05-21. Review status: criteria provided, single submitter. Criteria: ACMG Guidelines, 2015. Collection method: clinical testing. Allele origin: germline. Not counted in ClinVar's aggregate classification.
Comment: The DICER1 c.4923T>G variant is predicted to result in the amino acid substitution p.Cys1641Trp. This variant has been reported in a cohort of healthy individuals evaluated for variants in cancer-susceptibility genes (Table S1, Bodian et al. 2014. PubMed ID: 24728327) as well as in individuals considered high risk for breast and ovarian cancer (Faria et al. 2024. PubMed ID: 38874686). This variant is reported in 0.040% of alleles in individuals of African descent in gnomAD and has conflicting interpretations regarding its pathogenicity in ClinVar, ranging from likely benign to uncertain (Variation ID: 133973). Although we suspect that this variant may be benign, at this time, the clinical significance of this variant is uncertain due to the absence of conclusive functional and genetic evidence.

Labcorp Genetics (formerly Invitae), Labcorp
Classification: Likely benign for DICER1-related tumor predisposition. Last evaluated: 2026-01-18. Review status: criteria provided, single submitter. Criteria: Invitae Variant Classification Sherloc (09022015). Collection method: clinical testing. Allele origin: germline. Not counted in ClinVar's aggregate classification.

Ambry Genetics
Classification: Uncertain significance for Hereditary cancer-predisposing syndrome. Last evaluated: 2024-07-23. Review status: criteria provided, single submitter. Criteria: Ambry Variant Classification Scheme 2023. Collection method: clinical testing. Allele origin: germline. Not counted in ClinVar's aggregate classification.
Comment: The p.C1641W variant (also known as c.4923T>G), located in coding exon 22 of the DICER1 gene, results from a T to G substitution at nucleotide position 4923. The cysteine at codon 1641 is replaced by tryptophan, an amino acid with highly dissimilar properties. This variant was identified in a cohort of 681 ancestrally diverse, healthy subjects (Bodian DL et al. PLoS One, 2014 Apr;9:e94554). This variant was reported in 2 of 701 Brazilian individuals with features consistent with a hereditary breast and/or ovarian cancer syndrome (Faria JP et al. Breast Cancer Res Treat, 2024 Jun;:). This amino acid position is not well conserved in available vertebrate species. In addition, this alteration is predicted to be tolerated by in silico analysis. Based on the available evidence, the clinical significance of this variant remains unclear.

GeneDx
Classification: Uncertain significance. Last evaluated: 2023-11-26. Review status: criteria provided, single submitter. Criteria: GeneDx Variant Classification Process June 2021. Collection method: clinical testing. Allele origin: germline. Affected: yes. Not counted in ClinVar's aggregate classification.
Comment: In silico analysis supports that this missense variant does not alter protein structure/function; Identified in healthy individuals undergoing whole genome sequencing (PMID: 24728327); This variant is associated with the following publications: (PMID: 24728327)

Baylor Genetics
Classification: Uncertain significance for Global developmental delay - lung cysts - overgrowth - Wilms tumor syndrome. Last evaluated: 2023-07-10. Review status: criteria provided, single submitter. Criteria: ACMG Guidelines, 2015. Collection method: clinical testing. Allele origin: unknown. Not counted in ClinVar's aggregate classification.

Quest Diagnostics Nichols Institute San Juan Capistrano
Classification: Uncertain significance. Last evaluated: 2023-06-03. Review status: criteria provided, single submitter. Criteria: Quest Diagnostics criteria. Collection method: clinical testing. Allele origin: unknown. Not counted in ClinVar's aggregate classification.
Comment: In the published literature, this variant has been reported in a cohort of ancestrally diverse, healthy individuals (PMID: 24728327 (2014)). The frequency of this variant in the general population, 0.0004 (10/24962 chromosomes in African/African American subpopulation (Genome Aggregation Database)), is higher than would generally be expected for pathogenic variants in this gene. Analysis of this variant using bioinformatics tools for the prediction of the effect of amino acid changes on protein structure and function yielded predictions that this variant is benign. Based on the available information, we are unable to determine the clinical significance of this variant.

Laboratory of Medical Genetics Unit, Bambino Gesù Children's Hospital
Classification: Uncertain significance for Diffuse midline glioma, H3 K27-altered. Last evaluated: 2023-01-04. Review status: criteria provided, single submitter. Criteria: ACMG Guidelines, 2015. Collection method: research. Allele origin: germline. Affected: yes. Observed: 1 heterozygote. Not counted in ClinVar's aggregate classification.

Fulgent Genetics
Classification: Uncertain significance for Euthyroid goiter; Rhabdomyosarcoma, embryonal, 2; Pleuropulmonary blastoma. Last evaluated: 2018-10-31. Review status: criteria provided, single submitter. Criteria: ACMG Guidelines, 2015. Collection method: clinical testing. Allele origin: unknown. Not counted in ClinVar's aggregate classification.

ITMI
No classification provided. Condition: AllHighlyPenetrant. Last evaluated: 2013-09-19. Review status: no classification provided. Collection method: reference population. Allele origin: germline. Not counted in ClinVar's aggregate classification.
Comment: Please see associated publication for description of ethnicities

Literature cited by the submitters: PubMed 24728327 (cited by 3 submitters); PubMed 38874686 (cited by Ambry Genetics).

NM_177438.3(DICER1):c.4923T>G (p.Cys1641Trp)

Gene: DICER1 (dicer 1, ribonuclease III; minus strand). Cytogenetic location: 14q32.13.
Variant type: single nucleotide variant.
Coding change: c.4923T>G on transcript NM_177438.3 (MANE Select); coding-DNA position 4923, T replaced by G.
Protein change: p.Cys1641Trp; replaces cysteine 1641 with tryptophan.
Molecular consequence: missense variant.
Genome position (GRCh38, 1-based): chr14:95,095,997, A>C on the plus strand (T>G on the coding strand, the complement: DICER1 is on the minus strand). VCF-style: chr14-95095997-A-C. GRCh37 (hg19) VCF-style: chr14-95562334-A-C.
Other names: NM_177438.3(DICER1):c.4923T>G; p.Cys1641Trp; c.4923T>G, p.Cys1641Trp (NM_001195573.1, NM_001271282.3, NM_001291628.2 and 1 more transcripts); short protein forms C1641W.
Identifiers: ClinVar variation 133973 (VCV000133973.27), dbSNP rs587778231, ClinGen allele CA158279.